The following is an entry in ClinVar:

NM_001458.5(FLNC):c.721G>A (p.Val241Met)

Gene: FLNC (filamin C; plus strand). Cytogenetic location: 7q32.1.
Variant type: single nucleotide variant.
Coding change: c.721G>A on transcript NM_001458.5 (MANE Select); coding-DNA position 721, G replaced by A.
Protein change: p.Val241Met; replaces valine 241 with methionine.
Molecular consequence: missense variant.
Genome position (GRCh38, 1-based): chr7:128,837,419, G>A. VCF-style: chr7-128837419-G-A. GRCh37 (hg19) VCF-style: chr7-128477473-G-A.
Other names: c.721G>A, p.Val241Met (NM_001127487.2); short protein forms V241M.
Identifiers: ClinVar variation 2444557 (VCV002444557.2), dbSNP rs1256050498, ClinGen allele CA369221973.
Genomic context (GRCh38, chr7:128,837,419, plus strand): 5'-AAAGAGGGCGCCATGTGACATCACTCCTTTCCATCGCAGGTCATTGCCCCTGAGGAGATT[G>A]TGGACCCCAACGTGGATGAGCATTCTGTTATGACCTACCTGTCCCAGTTCCCCAAGGCCA-3'
Protein context (NP_001449.3, residues 231-251): VPQVIAPEEI[Val241Met]DPNVDEHSVM

ClinVar aggregate classification (germline): Uncertain significance. Review status: criteria provided, multiple submitters, no conflicts (2 of 4 stars). 2 submissions from 2 submitters: Uncertain significance (2). Last evaluated 2025-10-25.

Conditions:
Cardiovascular phenotype. Identifiers: MedGen CN230736.

Allele frequency attached by ClinVar (database versions not stated): TOPMed 0.00001; gnomAD exomes below 0.00001; gnomAD 0.00001.

Submissions (2):

Ambry Genetics
Classification: Uncertain significance for Cardiovascular phenotype. Last evaluated: 2025-10-25. Review status: criteria provided, single submitter. Criteria: Ambry Variant Classification Scheme 2023. Collection method: clinical testing. Allele origin: germline.
Comment: The p.V241M variant (also known as c.721G>A), located in coding exon 4 of the FLNC gene, results from a G to A substitution at nucleotide position 721. The valine at codon 241 is replaced by methionine, an amino acid with highly similar properties. This amino acid position is conserved. In addition, the in silico prediction for this alteration is inconclusive. Based on the available evidence, the clinical significance of this variant remains unclear.

GeneDx
Classification: Uncertain significance. Last evaluated: 2022-09-14. Review status: criteria provided, single submitter. Criteria: GeneDx Variant Classification Process June 2021. Collection method: clinical testing. Allele origin: germline. Affected: yes.
Comment: Not observed at significant frequency in large population cohorts (gnomAD); In silico analysis supports that this missense variant does not alter protein structure/function; Has not been previously published as pathogenic or benign to our knowledge